The following is an entry in ClinVar:

ClinVar aggregate classification (germline): Pathogenic. Review status: criteria provided, multiple submitters, no conflicts (2 of 4 stars). 9 submissions from 9 submitters: Pathogenic (8). 1 of the submissions does not count toward it. Last evaluated 2025-10-22.

Conditions:
Osteogenesis imperfecta with normal sclerae, dominant form (OI4). Also called: OSTEOGENESIS IMPERFECTA WITH NORMAL SCLERAE; Osteogenesis imperfecta type 4; OSTEOGENESIS IMPERFECTA, TYPE IV, WITH DENTINOGENESIS IMPERFECTA; Common Variable Osteogenesis Imperfecta with Normal Sclerae; Osteogenesis Imperfecta Type IV. Identifiers: Orphanet 216820, Orphanet 666, MedGen C0268363, MONDO:0008148, OMIM 166220.
Osteogenesis imperfecta, perinatal lethal (OI2). Also called: OI, TYPE II; OSTEOGENESIS IMPERFECTA CONGENITA; VROLIK TYPE OF OSTEOGENESIS IMPERFECTA; OSTEOGENESIS IMPERFECTA, TYPE II; Osteogenesis imperfecta, dominant perinatal lethal; Osteogenesis imperfecta type 2. Identifiers: Orphanet 216804, MedGen C0268358, MONDO:0008147, OMIM 166210.
Osteogenesis imperfecta type III (OI3). Also called: Progressively Deforming Osteogenesis Imperfecta; Osteogenesis imperfecta type 3; OI type 3; Osteogenesis imperfecta, progressively deforming with normal sclerae; OI type III. Identifiers: Orphanet 216812, Orphanet 666, MedGen C0268362, MONDO:0009804, OMIM 259420.
Osteoporosis. Identifiers: MedGen C0029456, MONDO:0005298, OMIM 166710, HP:0000939.
Ehlers-Danlos syndrome, arthrochalasia type. Also called: Ehlers-Danlos syndrome, arthrochalasia type, 1; ARTHROCHALASIS MULTIPLEX CONGENITA; EDS VII, MUTANT PROCOLLAGEN TYPE; EDS VIIA; Ehlers-Danlos syndrome, arthrochalasis type. Identifiers: Orphanet 1899, Orphanet 99875, Orphanet 99876, MedGen C4551623, MONDO:0007525, OMIM 130060.
Combined osteogenesis imperfecta and Ehlers-Danlos syndrome 1. Also called: OIEDS SYNDROME 1. Identifiers: MedGen C5436842, MONDO:0030854, OMIM 619115.
Infantile cortical hyperostosis. Also called: Hyperostosis, Cortical, Congenital; P1PK BLOOD GROUP SYSTEM, P(2) PHENOTYPE; Caffey Disease. Identifiers: Orphanet 1310, MedGen C0020497, MONDO:0007244, OMIM 114000.
Osteogenesis imperfecta type I (OI1). Also called: OI, TYPE I; OSTEOGENESIS IMPERFECTA TARDA; OSTEOGENESIS IMPERFECTA WITH BLUE SCLERAE; Osteogenesis imperfecta type 1; Classic Non-deforming Osteogenesis Imperfecta with Blue Sclerae; Lobstein's Disease. Identifiers: Orphanet 216796, Orphanet 666, MedGen C0023931, MONDO:0008146, OMIM 166200. Disease mechanism: loss of function.
COL1A1-related disorder. Also called: COL1A1-related condition; COL1A1- related disease.

Submissions (9):

GeneDx
Classification: Pathogenic. Last evaluated: 2025-10-22. Review status: criteria provided, single submitter. Criteria: GeneDx Variant Classification Process June 2021. Collection method: clinical testing. Allele origin: germline. Affected: yes.
Comment: Occurs in the triple helical domain and replaces a glycine in a canonical Gly-X-Y repeat; missense substitution of a canonical glycine residue is expected to disrupt normal protein folding and function, and this is an established mechanism of disease (PMID: 34007986); Not observed at significant frequency in large population cohorts (gnomAD); In silico analysis supports that this missense variant has a deleterious effect on protein structure/function; Also known as p.G679S using alternate nomenclature; This variant is associated with the following publications: (PMID: 37270749, 35909573, 34627339, 36951356, 35154279, 30755392, 7691343, 27509835, 29542187, 29807018, 26615125, 25944380, 17078022, 21667357, 32502767, 34358384, 34007986, 38702915, 24668929)

Clinical Biomedical Laboratory, Shriners Hospital For Children - Canada
Classification: Pathogenic for Osteogenesis imperfecta with normal sclerae, dominant form. Last evaluated: 2025-05-23. Review status: criteria provided, single submitter. Criteria: ACMG Guidelines, 2015. Collection method: clinical testing. Allele origin: germline. Affected: yes.
Comment: This variant is predicted to substitute a glycine residue by a serine residue in the triple helical domain of collagen type I alpha 1 chain. Glycine substitutions in the triple helical domain of collagen type I cause disruption in the formation of the triple helix in the collagen molecule and are a typical cause of osteogenesis imperfecta. This variant is absent from the Genome Aggregation Database (v2.1.1). The variant is predicted to be deleterious to protein function (Revel 0.99). This variant has been published: (PMID 27509835) as a cause of osteogenesis imperfecta. We have observed this variant in the Shriners Hospital for Children variant database in five patients diagnosed with osteogenesis imperfecta.

Labcorp Genetics (formerly Invitae), Labcorp
Classification: Pathogenic for Osteogenesis imperfecta type I. Last evaluated: 2024-06-19. Review status: criteria provided, single submitter. Criteria: Invitae Variant Classification Sherloc (09022015). Collection method: clinical testing. Allele origin: germline.
Comment: This sequence change replaces glycine, which is neutral and non-polar, with serine, which is neutral and polar, at codon 719 of the COL1A1 protein (p.Gly719Ser). This variant is not present in population databases (gnomAD no frequency). This missense change has been observed in individual(s) with osteogenesis imperfecta (PMID: 7691343, 24668929, 25944380, 27509835, 29807018). In at least one individual the variant was observed to be de novo. This variant is also known as Gly541Ser. ClinVar contains an entry for this variant (Variation ID: 425606). Advanced modeling of protein sequence and biophysical properties (such as structural, functional, and spatial information, amino acid conservation, physicochemical variation, residue mobility, and thermodynamic stability) performed at Invitae indicates that this missense variant is expected to disrupt COL1A1 protein function with a positive predictive value of 95%. This variant disrupts the triple helix domain of COL1A1. Glycine residues within the Gly-Xaa-Yaa repeats of the triple helix domain are required for the structure and stability of fibrillar collagens (PMID: 7695699, 8218237, 19344236). In COL1A1, variants affecting these glycine residues are significantly enriched in individuals with disease (PMID: 9016532, 17078022) compared to the general population (ExAC). For these reasons, this variant has been classified as Pathogenic.

Fulgent Genetics
Classification: Pathogenic for Infantile cortical hyperostosis; Ehlers-Danlos syndrome, arthrochalasia type; Osteogenesis imperfecta type I; Osteogenesis imperfecta, perinatal lethal; Osteogenesis imperfecta with normal sclerae, dominant form; Osteoporosis; Osteogenesis imperfecta type III; Combined osteogenesis imperfecta and Ehlers-Danlos syndrome 1. Last evaluated: 2024-02-13. Review status: criteria provided, single submitter. Criteria: ACMG Guidelines, 2015. Collection method: clinical testing. Allele origin: germline.

Revvity Omics, Revvity
Classification: Pathogenic. Last evaluated: 2023-11-06. Review status: criteria provided, single submitter. Criteria: ACMG Guidelines, 2015. Collection method: clinical testing. Allele origin: germline.

Blueprint Genetics
Classification: Pathogenic for COL1A1-related disorders. Last evaluated: 2018-12-21. Review status: criteria provided, single submitter. Criteria: ACMG Guidelines, 2015. Collection method: clinical testing. Allele origin: germline. Affected: yes. Observed: 1 variant allele.

Center for Personalized Medicine, Children's Hospital Los Angeles
Classification: Pathogenic. Last evaluated: 2016-03-15. Review status: criteria provided, single submitter. Criteria: ACMG Guidelines, 2015. Collection method: clinical testing. Allele origin: germline. Affected: yes.

Neuberg Centre For Genomic Medicine, NCGM
Classification: Pathogenic for Osteogenesis imperfecta type I. Review status: criteria provided, single submitter. Criteria: ACMG Guidelines, 2015. Collection method: clinical testing. Allele origin: germline. Affected: yes.
Comment: The missense variant p.G719S in COL1A1 (NM_000088.4) has been previously reported in multiple affected patients (Lindahl K et al; Mohd Nawawi N et al). The variant has been submitted to ClinVar as Pathogenic. It has also been reported as Gly541Ser. It affects a glycine residue in the collagen triple helix. Glycine substitutions are majorly disease causing.The p.G719S variant is novel (not in any individuals) in gnomAD Exomes and is novel (not in any individuals) in 1000 Genomes. The p.G719S missense variant is predicted to be damaging by both SIFT and PolyPhen2. The glycine residue at codon 719 of COL1A1 is conserved in all mammalian species. The nucleotide c.2155 in COL1A1 is predicted conserved by GERP++ and PhyloP across 100 vertebrates. For these reasons, this variant has been classified as Pathogenic.

Department of Medical Sciences, Uppsala University
Classification: Pathogenic for OI type III. Review status: no assertion criteria provided. Collection method: clinical testing. Allele origin: unknown. Affected: yes. Observed: 1 variant allele. Not counted in ClinVar's aggregate classification.

Literature cited by the submitters: PubMed 27509835 (cited by Clinical Biomedical Laboratory, Shriners Hospital For Children - Canada and Labcorp Genetics (formerly Invitae), Labcorp); PubMed 7691343 (cited by Labcorp Genetics (formerly Invitae), Labcorp); PubMed 24668929 (cited by Labcorp Genetics (formerly Invitae), Labcorp); PubMed 25944380 (cited by Labcorp Genetics (formerly Invitae), Labcorp and Department of Medical Sciences, Uppsala University); PubMed 29807018 (cited by Labcorp Genetics (formerly Invitae), Labcorp); PubMed 7695699 (cited by Labcorp Genetics (formerly Invitae), Labcorp); PubMed 8218237 (cited by Labcorp Genetics (formerly Invitae), Labcorp); PubMed 19344236 (cited by Labcorp Genetics (formerly Invitae), Labcorp); PubMed 9016532 (cited by Labcorp Genetics (formerly Invitae), Labcorp); PubMed 17078022 (cited by Labcorp Genetics (formerly Invitae), Labcorp).

NM_000088.4(COL1A1):c.2155G>A (p.Gly719Ser)

Gene: COL1A1 (collagen type I alpha 1 chain; minus strand). Cytogenetic location: 17q21.33.
Variant type: single nucleotide variant.
Coding change: c.2155G>A on transcript NM_000088.4 (MANE Select); coding-DNA position 2155, G replaced by A.
Protein change: p.Gly719Ser; replaces glycine 719 with serine.
Molecular consequence: missense variant.
Genome position (GRCh38, 1-based): chr17:50,191,463, C>T on the plus strand (G>A on the coding strand, the complement: COL1A1 is on the minus strand). VCF-style: chr17-50191463-C-T. GRCh37 (hg19) VCF-style: chr17-48268824-C-T.
Other names: c.2155G>A (LRG_1t1); short protein forms G719S.
Identifiers: ClinVar variation 425606 (VCV000425606.24), dbSNP rs72651645, ClinGen allele CA291543986.